The following is an entry in ClinVar:

NM_015278.5(SASH1):c.3327G>A (p.Thr1109=)

Gene: SASH1 (SAM and SH3 domain containing 1; plus strand). Cytogenetic location: 6q25.1.
Variant type: single nucleotide variant.
Coding change: c.3327G>A on transcript NM_015278.5 (MANE Select); coding-DNA position 3327, G replaced by A.
Protein change: p.Thr1109=; no amino-acid change (threonine 1109 retained).
Molecular consequence: synonymous variant.
Genome position (GRCh38, 1-based): chr6:148,544,797, G>A. VCF-style: chr6-148544797-G-A. GRCh37 (hg19) VCF-style: chr6-148865933-G-A.
Other names: c.3327G>A (NM_015278.4); c.3192G>A, p.Thr1064= (NM_001346505.2); c.2955G>A, p.Thr985= (NM_001346506.2); c.2610G>A, p.Thr870= (NM_001346507.2); c.3099G>A, p.Thr1033= (NM_001346508.2); c.2976G>A, p.Thr992= (NM_001346509.2).
Identifiers: ClinVar variation 719389 (VCV000719389.30), dbSNP rs141946222, ClinGen allele CA4040817.

ClinVar aggregate classification (germline): Benign/Likely benign. Review status: criteria provided, multiple submitters, no conflicts (2 of 4 stars). 4 submissions from 4 submitters: Benign (1); Likely benign (2). 1 of the submissions does not count toward it. Last evaluated 2026-02-01.

Conditions:
SASH1-related disorder. Also called: SASH1-related condition.

Allele frequency attached by ClinVar (database versions not stated): ESP Exome Variant Server 0.00177; gnomAD 0.00192 and 0.00209; TOPMed 0.00192; gnomAD exomes 0.00199 and 0.00290; ExAC 0.00366.
gnomAD v4.1: 4,389 of 1,594,610 alleles (0.28%); highest among the groups gnomAD compares: Non-Finnish European, 0.35%; 9 homozygotes.

Submissions (4):

CeGaT Center for Human Genetics Tuebingen
Classification: Likely benign. Last evaluated: 2026-02-01. Review status: criteria provided, single submitter. Criteria: CeGaT Center For Human Genetics Tuebingen Variant Classification Criteria Version 2. Collection method: clinical testing. Allele origin: germline. Affected: yes. Observed: 8 variant alleles.
Comment: SASH1: BP4, BP7

Blueprint Genetics
Classification: Likely benign. Last evaluated: 2024-11-20. Review status: criteria provided, single submitter. Criteria: ACMG Guidelines, 2015. Collection method: clinical testing. Allele origin: germline.

Labcorp Genetics (formerly Invitae), Labcorp
Classification: Benign. Last evaluated: 2019-12-31. Review status: criteria provided, single submitter. Criteria: Invitae Variant Classification Sherloc (09022015). Collection method: clinical testing. Allele origin: germline.

PreventionGenetics, part of Exact Sciences
Classification: Likely benign for SASH1-related condition. Last evaluated: 2020-01-10. Review status: no assertion criteria provided. Collection method: clinical testing. Allele origin: germline. Not counted in ClinVar's aggregate classification.
Comment: This variant is classified as likely benign based on ACMG/AMP sequence variant interpretation guidelines (Richards et al. 2015 PMID: 25741868, with internal and published modifications).